The following is an entry in ClinVar:

ClinVar aggregate classification (germline): Uncertain significance. Review status: criteria provided, multiple submitters, no conflicts (2 of 4 stars). 2 submissions from 2 submitters: Uncertain significance (2). Last evaluated 2022-12-26.

Conditions:
Pancreatic cancer, susceptibility to, 1. Identifiers: Orphanet 1333, MedGen C1847351, MONDO:0011739, OMIM 606856.

Allele frequency attached by ClinVar (database versions not stated): TOPMed 0.00002; gnomAD 0.00003 and 0.00004; ExAC 0.00004; gnomAD exomes 0.00006.
gnomAD v4.1: 186 of 1,614,018 alleles (0.012%); highest among the groups gnomAD compares: Non-Finnish European, 0.015%; no homozygotes.

Submissions (2):

Ambry Genetics
Classification: Uncertain significance. Last evaluated: 2022-12-26. Review status: criteria provided, single submitter. Criteria: Ambry Variant Classification Scheme 2023. Collection method: clinical testing. Allele origin: germline.
Comment: The p.G478E variant (also known as c.1433G>A), located in coding exon 6 of the PALLD gene, results from a G to A substitution at nucleotide position 1433. The glycine at codon 478 is replaced by glutamic acid, an amino acid with similar properties. This amino acid position is conserved. In addition, this alteration is predicted to be deleterious by in silico analysis. Since supporting evidence is limited at this time, the clinical significance of this alteration remains unclear.

Illumina Laboratory Services, Illumina
Classification: Uncertain significance for Pancreatic cancer, susceptibility to, 1. Last evaluated: 2018-01-13. Review status: criteria provided, single submitter. Criteria: ICSL Variant Classification Criteria 13 December 2019. Collection method: clinical testing. Allele origin: germline.

NM_001166108.2(PALLD):c.1433G>A (p.Gly478Glu)

Gene: PALLD (palladin, cytoskeletal associated protein; plus strand). Cytogenetic location: 4q32.3.
Variant type: single nucleotide variant.
Coding change: c.1433G>A on transcript NM_001166108.2 (MANE Select); coding-DNA position 1433, G replaced by A.
Protein change: p.Gly478Glu; replaces glycine 478 with glutamic acid.
Molecular consequence: missense variant.
Genome position (GRCh38, 1-based): chr4:168,690,700, G>A. VCF-style: chr4-168690700-G-A. GRCh37 (hg19) VCF-style: chr4-169611851-G-A.
Other names: c.287G>A, p.Gly96Glu (NM_001166109.2); c.1433G>A, p.Gly478Glu (NM_016081.4); c.1433G>A (NM_016081.3); short protein forms G478E, G96E.
Identifiers: ClinVar variation 348039 (VCV000348039.7), dbSNP rs201816881, ClinGen allele CA3135611.